The following is an entry in ClinVar:

ClinVar aggregate classification (germline): Uncertain significance (1 of 4 stars; one submission).

Conditions:
Alstrom syndrome (ALMS). Identifiers: Orphanet 64, MedGen C0268425, MONDO:0008763, OMIM 203800.

Submission:

Labcorp Genetics (formerly Invitae), Labcorp
Classification: Uncertain significance for Alstrom syndrome. Last evaluated: 2022-03-08. Review status: criteria provided, single submitter. Criteria: Invitae Variant Classification Sherloc (09022015). Collection method: clinical testing. Allele origin: germline.
Comment: In summary, the available evidence is currently insufficient to determine the role of this variant in disease. Therefore, it has been classified as a Variant of Uncertain Significance. Experimental studies and prediction algorithms are not available or were not evaluated, and the functional significance of this variant is currently unknown. This variant has not been reported in the literature in individuals affected with ALMS1-related conditions. This variant is not present in population databases (gnomAD no frequency). This sequence change replaces arginine, which is basic and polar, with leucine, which is neutral and non-polar, at codon 3703 of the ALMS1 protein (p.Arg3703Leu).

NM_001378454.1(ALMS1):c.11105G>T (p.Arg3702Leu)

Gene: ALMS1 (ALMS1 centrosome and basal body associated protein; plus strand). Cytogenetic location: 2p13.1.
Variant type: single nucleotide variant.
Coding change: c.11105G>T on transcript NM_001378454.1 (MANE Select); coding-DNA position 11105, G replaced by T.
Protein change: p.Arg3702Leu; replaces arginine 3702 with leucine.
Molecular consequence: missense variant.
Genome position (GRCh38, 1-based): chr2:73,572,982, G>T. VCF-style: chr2-73572982-G-T. GRCh37 (hg19) VCF-style: chr2-73800109-G-T.
Other names: c.11108G>T, p.Arg3703Leu (NM_015120.4); short protein forms R3703L, R3702L.
Identifiers: ClinVar variation 2107651 (VCV002107651.4), dbSNP rs188864796, ClinGen allele CA347287343.